The following is an entry in ClinVar:

ClinVar aggregate classification (germline): Uncertain significance. Review status: criteria provided, multiple submitters, no conflicts (2 of 4 stars). 9 submissions from 9 submitters: Uncertain significance (7). 2 of the submissions do not count toward it. Last evaluated 2025-12-03.

Conditions:
TYRP1-related disorder. Also called: TYRP1-related condition.
Oculocutaneous albinism type 3 (OCA3). Also called: Rufous OCA; Rufous albinism; Albinism, oculocutaneous, type III; RUFOUS OCULOCUTANEOUS ALBINISM; XANTHISM; ALBINISM III. Identifiers: Orphanet 79433, MedGen C0342683, MONDO:0008747, OMIM 203290.

Allele frequency attached by ClinVar (database versions not stated): TOPMed 0.00031; gnomAD 0.00034 and 0.00036; ExAC 0.00062; ESP Exome Variant Server 0.00062.
gnomAD v4.1: 629 of 1,613,984 alleles (0.039%); highest among the groups gnomAD compares: Non-Finnish European, 0.049%; 1 homozygote.

Submissions (9):

Labcorp Genetics (formerly Invitae), Labcorp
Classification: Uncertain significance. Last evaluated: 2025-12-03. Review status: criteria provided, single submitter. Criteria: Invitae Variant Classification Sherloc (09022015). Collection method: clinical testing. Allele origin: germline.
Comment: This sequence change replaces arginine, which is basic and polar, with cysteine, which is neutral and slightly polar, at codon 153 of the TYRP1 protein (p.Arg153Cys). This variant is present in population databases (rs146027807, gnomAD 0.08%), and has an allele count higher than expected for a pathogenic variant. This missense change has been observed in individual(s) with clinical features of ocular albinism (PMID: 29345414, 31233279). ClinVar contains an entry for this variant (Variation ID: 915234). Invitae Evidence Modeling of protein sequence and biophysical properties (such as structural, functional, and spatial information, amino acid conservation, physicochemical variation, residue mobility, and thermodynamic stability) has been performed for this missense variant. However, the output from this modeling did not meet the statistical confidence thresholds required to predict the impact of this variant on TYRP1 protein function. In summary, the available evidence is currently insufficient to determine the role of this variant in disease. Therefore, it has been classified as a Variant of Uncertain Significance.

GeneDx
Classification: Uncertain significance. Last evaluated: 2025-11-12. Review status: criteria provided, single submitter. Criteria: GeneDx Variant Classification Process June 2021. Collection method: clinical testing. Allele origin: germline.
Comment: Reported as a heterozygous variant in patients with albinism in published literature; a second variant in the TYRP1 gene was not reported for these individuals (PMID: 29345414, 34246199); Identified in two unrelated families with cutaneous melanoma. Both families also harbored a second variant in TYRP1 (A24T), suggesting these variants are in cis in these families (PMID: 31233279); In silico analysis supports that this missense variant has a deleterious effect on protein structure/function; This variant is associated with the following publications: (PMID: 23862152, 34426522, 31233279, 29345414, 34246199)

PreventionGenetics, part of Exact Sciences
Classification: Uncertain significance for TYRP1-related condition. Last evaluated: 2025-01-27. Review status: criteria provided, single submitter. Criteria: ACMG Guidelines, 2015. Collection method: clinical testing. Allele origin: germline.
Comment: The TYRP1 c.457C>T variant is predicted to result in the amino acid substitution p.Arg153Cys. This variant has been reported in individuals with oculocutaneous albinism (TableS4, Lasseaux et al. 2018. PubMed ID: 29345414; Nathan et al. 2019. PubMed ID: 31233279). It should be noted that in these reports the second TYRP1 variant was always c.70G>A (p.Ala24Thr) and Nathan et al. concluded these two variants likely occurred on the same allele (i.e. in cis). This variant is reported in 0.079% of alleles in individuals of European (non-Finnish) descent in gnomAD. GnomAD data also supports the co-occurrence of c.457C>T with c.70G>A. At this time, the clinical significance of this variant is uncertain due to the absence of conclusive functional and genetic evidence.

Blueprint Genetics
Classification: Uncertain significance. Last evaluated: 2024-10-31. Review status: criteria provided, single submitter. Criteria: ACMG Guidelines, 2015. Collection method: clinical testing. Allele origin: germline.

Department of Pathology and Laboratory Medicine, Sinai Health System
Classification: Uncertain significance for Oculocutaneous albinism type 3. Last evaluated: 2022-10-11. Review status: criteria provided, single submitter. Criteria: ACMG Guidelines, 2015. Collection method: research. Allele origin: germline.

Genetic Services Laboratory, University of Chicago
Classification: Uncertain significance. Last evaluated: 2017-11-07. Review status: criteria provided, single submitter. Criteria: ACMG Guidelines, 2015. Collection method: clinical testing. Allele origin: germline. Affected: no.

Illumina Laboratory Services, Illumina
Classification: Uncertain significance for Oculocutaneous albinism type 3. Last evaluated: 2017-04-28. Review status: criteria provided, single submitter. Criteria: ICSL Variant Classification Criteria 13 December 2019. Collection method: clinical testing. Allele origin: germline.
Comment: This variant was observed as part of a predisposition screen in an ostensibly healthy population. A literature search was performed for the gene, cDNA change, and amino acid change (where applicable). Publications were found based on this search. However, the evidence from the literature, in combination with allele frequency data from public databases where available, was not sufficient to rule this variant in or out of causing disease. Therefore, this variant is classified as a variant of unknown significance.

Clinical Genetics DNA and cytogenetics Diagnostics Lab, Erasmus MC, Erasmus Medical Center
Classification: Uncertain significance. Review status: no assertion criteria provided. Collection method: clinical testing. Allele origin: germline. Affected: yes. Study: VKGL Data-share Consensus. Not counted in ClinVar's aggregate classification.

Clinical Genetics, Academic Medical Center
Classification: Uncertain significance. Review status: no assertion criteria provided. Collection method: clinical testing. Allele origin: germline. Affected: yes. Study: VKGL Data-share Consensus. Not counted in ClinVar's aggregate classification.

Literature cited by the submitters: PubMed 29345414 (cited by Labcorp Genetics (formerly Invitae), Labcorp); PubMed 31233279 (cited by Labcorp Genetics (formerly Invitae), Labcorp); PubMed 23862152 (cited by Illumina Laboratory Services, Illumina).

NM_000550.3(TYRP1):c.457C>T (p.Arg153Cys)

Gene: TYRP1 (tyrosinase related protein 1; plus strand). Cytogenetic location: 9p23.
Variant type: single nucleotide variant.
Coding change: c.457C>T on transcript NM_000550.3 (MANE Select); coding-DNA position 457, C replaced by T.
Protein change: p.Arg153Cys; replaces arginine 153 with cysteine.
Molecular consequence: missense variant.
Genome position (GRCh38, 1-based): chr9:12,695,586, C>T. VCF-style: chr9-12695586-C-T. GRCh37 (hg19) VCF-style: chr9-12695586-C-T.
Other names: short protein forms R153C.
Identifiers: ClinVar variation 915234 (VCV000915234.20), dbSNP rs146027807, ClinGen allele CA4985235.